The following is an entry in ClinVar:

NM_001355436.2(SPTB):c.5572G>A (p.Val1858Met)

Gene: SPTB (spectrin beta, erythrocytic; minus strand). Cytogenetic location: 14q23.3.
Variant type: single nucleotide variant.
Coding change: c.5572G>A on transcript NM_001355436.2 (MANE Select); coding-DNA position 5572, G replaced by A.
Protein change: p.Val1858Met; replaces valine 1858 with methionine.
Molecular consequence: missense variant.
Genome position (GRCh38, 1-based): chr14:64,771,111, C>T on the plus strand (G>A on the coding strand, the complement: SPTB is on the minus strand). VCF-style: chr14-64771111-C-T. GRCh37 (hg19) VCF-style: chr14-65237829-C-T.
Other names: NM_000347.5:c.5572G>A; c.5572G>A, p.Val1858Met (NM_001024858.4, NM_001355437.2); short protein forms V1858M.
Identifiers: ClinVar variation 3448933 (VCV003448933.2).
Genomic context (GRCh38, chr14:64,771,111, plus strand): 5'-CCTTGTTCTGGATGGCCTCTGCCTTCTCCCCAGCATATGCTGTCTGCAGACGGGTGGCCA[C>T]GTCCTGGAACTGCTGCACCTGTGGTCAGGCAAAATCAGACATTGTTCCCTGGACATTGCT-3'
Protein context (NP_001342365.1, residues 1848-1868): LGVQVQQFQD[Val1858Met]ATRLQTAYAG

ClinVar aggregate classification (germline): Uncertain significance. Review status: criteria provided, multiple submitters, no conflicts (2 of 4 stars). 2 submissions from 2 submitters: Uncertain significance (2). Last evaluated 2025-10-14.

Conditions:
Inborn genetic diseases. Identifiers: MedGen C0950123, MeSH D030342.

gnomAD v4.1: 46 of 1,613,796 alleles (0.0029%); highest among the groups gnomAD compares: African/African-American, 0.039%; no homozygotes.

Submissions (2):

Labcorp Genetics (formerly Invitae), Labcorp
Classification: Uncertain significance. Last evaluated: 2025-10-14. Review status: criteria provided, single submitter. Criteria: Invitae Variant Classification Sherloc (09022015). Collection method: clinical testing. Allele origin: germline.
Comment: This sequence change replaces valine, which is neutral and non-polar, with methionine, which is neutral and non-polar, at codon 1858 of the SPTB protein (p.Val1858Met). This variant is present in population databases (rs369630504, gnomAD 0.04%). This variant has not been reported in the literature in individuals affected with SPTB-related conditions. ClinVar contains an entry for this variant (Variation ID: 3448933). An algorithm developed to predict the effect of missense changes on protein structure and function outputs the following: PolyPhen-2: "Benign". The methionine amino acid residue is found in multiple mammalian species, which suggests that this missense change does not adversely affect protein function. In summary, the available evidence is currently insufficient to determine the role of this variant in disease. Therefore, it has been classified as a Variant of Uncertain Significance.

Ambry Genetics
Classification: Uncertain significance for Inborn genetic diseases. Last evaluated: 2024-07-05. Review status: criteria provided, single submitter. Criteria: Ambry Variant Classification Scheme 2023. Collection method: clinical testing. Allele origin: germline.